The following is an entry in ClinVar:

ClinVar aggregate classification (germline): Uncertain significance (1 of 4 stars; one submission).

Allele frequency attached by ClinVar (database versions not stated): gnomAD 0.00001; gnomAD exomes 0.00001; ExAC 0.00002; 1000 Genomes Project 30x 0.00031; 1000 Genomes Project 0.00040.
gnomAD v4.1: 2 of 1,614,142 alleles (0.00012%); highest among the groups gnomAD compares: Admixed American, 0.0033%; no homozygotes.

Submission:

Labcorp Genetics (formerly Invitae), Labcorp
Classification: Uncertain significance. Last evaluated: 2024-05-06. Review status: criteria provided, single submitter. Criteria: Invitae Variant Classification Sherloc (09022015). Collection method: clinical testing. Allele origin: germline.
Comment: This sequence change replaces serine, which is neutral and polar, with tyrosine, which is neutral and polar, at codon 3484 of the KMT2A protein (p.Ser3484Tyr). This variant is present in population databases (rs529166709, gnomAD 0.006%). This variant has not been reported in the literature in individuals affected with KMT2A-related conditions. ClinVar contains an entry for this variant (Variation ID: 1523454). Advanced modeling of protein sequence and biophysical properties (such as structural, functional, and spatial information, amino acid conservation, physicochemical variation, residue mobility, and thermodynamic stability) performed at Invitae indicates that this missense variant is not expected to disrupt KMT2A protein function with a negative predictive value of 95%. In summary, the available evidence is currently insufficient to determine the role of this variant in disease. Therefore, it has been classified as a Variant of Uncertain Significance.

NM_001197104.2(KMT2A):c.10451C>A (p.Ser3484Tyr)

Gene: KMT2A (lysine methyltransferase 2A; plus strand). Cytogenetic location: 11q23.3.
Variant type: single nucleotide variant.
Coding change: c.10451C>A on transcript NM_001197104.2 (MANE Select); coding-DNA position 10451, C replaced by A.
Protein change: p.Ser3484Tyr; replaces serine 3484 with tyrosine.
Molecular consequence: missense variant.
Genome position (GRCh38, 1-based): chr11:118,506,343, C>A. VCF-style: chr11-118506343-C-A. GRCh37 (hg19) VCF-style: chr11-118377058-C-A.
Other names: c.10442C>A, p.Ser3481Tyr (NM_005933.4); short protein forms S3484Y, S3481Y.
Identifiers: ClinVar variation 1523454 (VCV001523454.8), dbSNP rs529166709, ClinGen allele CA6304750.